The following is an entry in ClinVar:

ClinVar aggregate classification (germline): Uncertain significance. Review status: criteria provided, multiple submitters, no conflicts (2 of 4 stars). 4 submissions from 3 submitters: Uncertain significance (3). 1 of the submissions does not count toward it. Last evaluated 2022-03-28.

Conditions:
Diabetes mellitus, transient neonatal, 2 (TNDM2). Identifiers: Orphanet 99886, MedGen C1835887, MONDO:0012480, OMIM 610374. Disease mechanism: loss of function.
Type 2 diabetes mellitus. Also called: Type II diabetes mellitus. Identifiers: MedGen C0011860, MeSH D003924, MONDO:0005148, OMIM 125853, HP:0005978.
Diabetes mellitus, permanent neonatal 3. Also called: ABCC8-Related Permanent Neonatal Diabetes Mellitus. Identifiers: MedGen C5394303, MONDO:0030088, OMIM 618857.
Hyperinsulinemic hypoglycemia, familial, 1 (HHF1). Also called: HYPERINSULINISM, FAMILIAL, WITH PANCREATIC NESIDIOBLASTOSIS; HYPOGLYCEMIA, HYPERINSULINEMIC, OF INFANCY; Persistent hyperinsulinemic hypoglycemia of infancy; Persistent Hyperinsulinemia Hypoglycemia of Infancy; NESIDIOBLASTOSIS OF PANCREAS. Identifiers: Orphanet 276575, Orphanet 276598, MedGen C2931832, MONDO:0009734, OMIM 256450.
Leucine-induced hypoglycemia (LIH). Also called: LEUCINE-SENSITIVE HYPOGLYCEMIA OF INFANCY. Identifiers: MedGen C0271714, MONDO:0009415, OMIM 240800.
Transitory neonatal diabetes mellitus. Also called: Transient neonatal diabetes mellitus. Identifiers: MedGen C0342273, MONDO:0020525, HP:0008255.
Maturity-onset diabetes of the young (MODY). Also called: Maturity onset diabetes mellitus in young. Identifiers: Orphanet 552, MedGen C0342276, MONDO:0018911, HP:0004904.
Hereditary hyperinsulinism.

Allele frequency attached by ClinVar (database versions not stated): gnomAD exomes below 0.00001; ExAC 0.00001; TOPMed 0.00001.
gnomAD v4.1: 3 of 1,614,226 alleles (0.00019%); highest among the groups gnomAD compares: Admixed American, 0.0017%; no homozygotes.

Submissions (4):

Fulgent Genetics
Classification: Uncertain significance for Type 2 diabetes mellitus; Leucine-induced hypoglycemia; Hyperinsulinemic hypoglycemia, familial, 1; Diabetes mellitus, transient neonatal, 2; Diabetes mellitus, permanent neonatal 3. Last evaluated: 2022-03-28. Review status: criteria provided, single submitter. Criteria: ACMG Guidelines, 2015. Collection method: clinical testing. Allele origin: unknown.

Clinical Genomics, Uppaluri K&H Personalized Medicine Clinic
Classification: Uncertain significance for Maturity-onset diabetes of the young. Review status: criteria provided, single submitter. Criteria: K & H Uppaluri Personalized Medicine Clinic Variant Classification & Assertion Criteria_Updated V.1. Collection method: research. Allele origin: somatic. Inheritance: Somatic mutation.
Comment: Mutations in ABCC8 gene are associated with both neonatal diabetes mellitus as well as MODY. Patients with this mutation may have a better response to sulfonylureas. However, no sufficient evidence is found to ascertain the role of this particular variant (rs770028071) in MODY yet.

Clinical Genomics, Uppaluri K&H Personalized Medicine Clinic
Classification: Uncertain significance for Transitory neonatal diabetes mellitus. Review status: criteria provided, single submitter. Criteria: K & H Uppaluri Personalized Medicine Clinic Variant Classification & Assertion Criteria_Updated V.1. Collection method: research. Allele origin: somatic. Inheritance: Somatic mutation.
Comment: Mutations in ABCC8 gene are associated with both neonatal diabetes mellitus as well as MODY. Patients with this mutation may have a better response to sulfonylureas. However, no sufficient evidence is found to ascertain the role of this particular variant (rs770028071) in neonatal diabetes yet.

Natera, Inc.
Classification: Uncertain significance for Hereditary hyperinsulinism. Last evaluated: 2020-04-10. Review status: no assertion criteria provided. Collection method: clinical testing. Allele origin: germline. Not counted in ClinVar's aggregate classification.

Literature cited by the submitters: PubMed 16885549 (cited by Clinical Genomics, Uppaluri K&H Personalized Medicine Clinic); PubMed 21989597 (cited by Clinical Genomics, Uppaluri K&H Personalized Medicine Clinic); PubMed 27538677 (cited by Clinical Genomics, Uppaluri K&H Personalized Medicine Clinic); PubMed 18981553 (cited by Clinical Genomics, Uppaluri K&H Personalized Medicine Clinic); PubMed 32027066 (cited by Clinical Genomics, Uppaluri K&H Personalized Medicine Clinic); PubMed 16613899 (cited by Clinical Genomics, Uppaluri K&H Personalized Medicine Clinic); PubMed 18025408 (cited by Clinical Genomics, Uppaluri K&H Personalized Medicine Clinic); PubMed 32792356 (cited by Clinical Genomics, Uppaluri K&H Personalized Medicine Clinic).

NM_000352.6(ABCC8):c.3649A>G (p.Arg1217Gly)

Gene: ABCC8 (ATP binding cassette subfamily C member 8; minus strand). Cytogenetic location: 11p15.1.
Variant type: single nucleotide variant.
Coding change: c.3649A>G on transcript NM_000352.6 (MANE Select); coding-DNA position 3649, A replaced by G.
Protein change: p.Arg1217Gly; replaces arginine 1217 with glycine.
Molecular consequence: missense variant. On other transcripts: non-coding transcript variant (1).
Genome position (GRCh38, 1-based): chr11:17,402,662, T>C on the plus strand (A>G on the coding strand, the complement: ABCC8 is on the minus strand). VCF-style: chr11-17402662-T-C. GRCh37 (hg19) VCF-style: chr11-17424209-T-C.
Other names: c.3652A>G, p.Arg1218Gly (NM_001287174.3); c.3715A>G, p.Arg1239Gly (NM_001351295.2); c.3649A>G, p.Arg1217Gly (NM_001351296.2); c.3646A>G, p.Arg1216Gly (NM_001351297.2); short protein forms R1216G, R1217G, R1218G, R1239G.
Identifiers: ClinVar variation 989964 (VCV000989964.3), dbSNP rs770028071, ClinGen allele CA5902753.